The following is an entry in ClinVar:

ClinVar aggregate classification (germline): Uncertain significance (1 of 4 stars; one submission).

Conditions:
Autosomal recessive spastic paraplegia type 78. Identifiers: Orphanet 513436, MedGen C5567893, MONDO:0014975, OMIM 617225.
Kufor-Rakeb syndrome (KRS). Also called: PARKINSON DISEASE 9, AUTOSOMAL RECESSIVE, JUVENILE-ONSET. Identifiers: Orphanet 306674, Orphanet 314632, MedGen C1847640, MONDO:0011706, OMIM 606693.

Allele frequency attached by ClinVar (database versions not stated): gnomAD exomes below 0.00001.

Submission:

Labcorp Genetics (formerly Invitae), Labcorp
Classification: Uncertain significance for Kufor-Rakeb syndrome; Autosomal recessive spastic paraplegia type 78. Last evaluated: 2022-05-25. Review status: criteria provided, single submitter. Criteria: Invitae Variant Classification Sherloc (09022015). Collection method: clinical testing. Allele origin: germline.
Comment: This variant is not present in population databases (gnomAD no frequency). This sequence change replaces proline, which is neutral and non-polar, with serine, which is neutral and polar, at codon 541 of the ATP13A2 protein (p.Pro541Ser). This variant has not been reported in the literature in individuals affected with ATP13A2-related conditions. In summary, the available evidence is currently insufficient to determine the role of this variant in disease. Therefore, it has been classified as a Variant of Uncertain Significance. Advanced modeling of protein sequence and biophysical properties (such as structural, functional, and spatial information, amino acid conservation, physicochemical variation, residue mobility, and thermodynamic stability) performed at Invitae indicates that this missense variant is not expected to disrupt ATP13A2 protein function.

NM_022089.4(ATP13A2):c.1621C>T (p.Pro541Ser)

Gene: ATP13A2 (ATPase cation transporting 13A2; minus strand). Cytogenetic location: 1p36.13.
Variant type: single nucleotide variant.
Coding change: c.1621C>T on transcript NM_022089.4 (MANE Select); coding-DNA position 1621, C replaced by T.
Protein change: p.Pro541Ser; replaces proline 541 with serine.
Molecular consequence: missense variant.
Genome position (GRCh38, 1-based): chr1:16,993,757, G>A on the plus strand (C>T on the coding strand, the complement: ATP13A2 is on the minus strand). VCF-style: chr1-16993757-G-A. GRCh37 (hg19) VCF-style: chr1-17320252-G-A.
Other names: c.1606C>T, p.Pro536Ser (NM_001141973.3, NM_001141974.3); short protein forms P536S, P541S.
Identifiers: ClinVar variation 2148862 (VCV002148862.4), dbSNP rs2523418707, ClinGen allele CA338248717.